The following is an entry in ClinVar:

ClinVar aggregate classification (germline): Likely pathogenic (1 of 4 stars; one submission).

Conditions:
Orofacial cleft 6, susceptibility to (OFC6). Also called: CLEFT LIP WITH OR WITHOUT CLEFT PALATE, NONSYNDROMIC, 6. Identifiers: MedGen C1837213, MONDO:0012141, OMIM 608864.
Van der Woude syndrome. Identifiers: Orphanet 888, MedGen C0175697, MONDO:0019508.
Popliteal pterygium syndrome (PPS). Identifiers: Orphanet 294963, MedGen C0265259, MONDO:0017435.

Submission:

Labcorp Genetics (formerly Invitae), Labcorp
Classification: Likely pathogenic for Orofacial cleft 6, susceptibility to; Van der Woude syndrome; Popliteal pterygium syndrome. Last evaluated: 2019-02-19. Review status: criteria provided, single submitter. Criteria: Invitae Variant Classification Sherloc (09022015). Collection method: clinical testing. Allele origin: germline.
Comment: This sequence change replaces cysteine with tyrosine at codon 317 of the IRF6 protein (p.Cys317Tyr). The cysteine residue is highly conserved and there is a large physicochemical difference between cysteine and tyrosine. This variant is not present in population databases (ExAC no frequency). Algorithms developed to predict the effect of missense changes on protein structure and function (SIFT, PolyPhen-2, Align-GVGD) all suggest that this variant is likely to be disruptive, but these predictions have not been confirmed by published functional studies and their clinical significance is uncertain. In summary, the currently available evidence indicates that the variant is pathogenic, but additional data are needed to prove that conclusively. Therefore, this variant has been classified as Likely Pathogenic.

NM_006147.4(IRF6):c.950G>A (p.Cys317Tyr)

Gene: IRF6 (interferon regulatory factor 6; minus strand). Cytogenetic location: 1q32.2.
Variant type: single nucleotide variant.
Coding change: c.950G>A on transcript NM_006147.4 (MANE Select); coding-DNA position 950, G replaced by A.
Protein change: p.Cys317Tyr; replaces cysteine 317 with tyrosine.
Molecular consequence: missense variant.
Genome position (GRCh38, 1-based): chr1:209,790,605, C>T on the plus strand (G>A on the coding strand, the complement: IRF6 is on the minus strand). VCF-style: chr1-209790605-C-T. GRCh37 (hg19) VCF-style: chr1-209963950-C-T.
Other names: c.665G>A, p.Cys222Tyr (NM_001206696.2); short protein forms C317Y, C222Y.
Identifiers: ClinVar variation 643611 (VCV000643611.11), dbSNP rs1571979607, ClinGen allele CA344575602.
Genomic context (GRCh38, chr1:209,790,605, plus strand): 5'-ATCAGGTTGGGAGCAACAAGTGATGGGGCACATGGCCCAGACCAGTACACCTTGCACTGG[C>T]ACAGCCTGATGGCATAAATGGCATGACCGCTGACCTCCAGGATCAGTCCTCTGTCCATGA-3'
Protein context (NP_006138.1, residues 307-327): SGHAIYAIRL[Cys317Tyr]QCKVYWSGPC